The following is an entry in ClinVar:

ClinVar aggregate classification (germline): Uncertain significance. Review status: criteria provided, multiple submitters, no conflicts (2 of 4 stars). 4 submissions from 4 submitters: Uncertain significance (4). Last evaluated 2024-04-13.

Conditions:
Hyperaldosteronism, familial, type IV (HALD4). Also called: FH IV; ALDOSTERONISM, PRIMARY, AND HYPERTENSION. Identifiers: Orphanet 642671, MedGen C4310756, MONDO:0014875, OMIM 617027.
Epilepsy, childhood absence, susceptibility to, 6. Identifiers: Orphanet 64280, MedGen C2749872, MONDO:0012763, OMIM 611942.
Idiopathic generalized epilepsy. Also called: Generalised epilepsy; EIG. Identifiers: MedGen C0270850, MONDO:0005579, OMIM 600669.
Inborn genetic diseases. Identifiers: MedGen C0950123, MeSH D030342.

Allele frequency attached by ClinVar (database versions not stated): TOPMed 0.00001.
gnomAD v4.1: 17 of 1,604,906 alleles (0.0011%); highest among the groups gnomAD compares: African/African-American, 0.004%; no homozygotes.

Submissions (4):

Fulgent Genetics
Classification: Uncertain significance for Epilepsy, childhood absence, susceptibility to, 6; Hyperaldosteronism, familial, type IV. Last evaluated: 2024-04-13. Review status: criteria provided, single submitter. Criteria: ACMG Guidelines, 2015. Collection method: clinical testing. Allele origin: germline.

Ambry Genetics
Classification: Uncertain significance for Inborn genetic diseases. Last evaluated: 2022-01-19. Review status: criteria provided, single submitter. Criteria: Ambry Variant Classification Scheme 2023. Collection method: clinical testing. Allele origin: germline.

Labcorp Genetics (formerly Invitae), Labcorp
Classification: Uncertain significance for Idiopathic generalized epilepsy; Hyperaldosteronism, familial, type IV. Last evaluated: 2021-12-23. Review status: criteria provided, single submitter. Criteria: Invitae Variant Classification Sherloc (09022015). Collection method: clinical testing. Allele origin: germline.
Comment: ClinVar contains an entry for this variant (Variation ID: 373122). This sequence change replaces arginine, which is basic and polar, with leucine, which is neutral and non-polar, at codon 1585 of the CACNA1H protein (p.Arg1585Leu). This variant is present in population databases (rs774569737, gnomAD 0.007%). This variant has not been reported in the literature in individuals affected with CACNA1H-related conditions. Algorithms developed to predict the effect of missense changes on protein structure and function (SIFT, PolyPhen-2, Align-GVGD) all suggest that this variant is likely to be disruptive. In summary, the available evidence is currently insufficient to determine the role of this variant in disease. Therefore, it has been classified as a Variant of Uncertain Significance.

GeneDx
Classification: Uncertain significance. Last evaluated: 2016-11-28. Review status: criteria provided, single submitter. Criteria: GeneDx Variant Classification (06012015). Collection method: clinical testing. Allele origin: germline. Affected: yes.
Comment: The R1585L variant in the CACNA1H gene has not been reported previously as a pathogenic variant, nor as a benign variant, to our knowledge. The R1585L variant was not observed in approximately 6200 individuals of European and African American ancestry in the NHLBI Exome Sequencing Project, indicating it is not a common benign variant in these populations. The R1585L variant is a non-conservative amino acid substitution, which is likely to impact secondary protein structure as these residues differ in polarity, charge, size and/or other properties. This substitution occurs at a position that is conserved across species. In silico analysis predicts this variant is probably damaging to the protein structure/function. We interpret R1585L as a variant of uncertain significance.

NM_021098.3(CACNA1H):c.4754G>T (p.Arg1585Leu)

Gene: CACNA1H (calcium voltage-gated channel subunit alpha1 H; plus strand). Cytogenetic location: 16p13.3.
Variant type: single nucleotide variant.
Coding change: c.4754G>T on transcript NM_021098.3 (MANE Select); coding-DNA position 4754, G replaced by T.
Protein change: p.Arg1585Leu; replaces arginine 1585 with leucine.
Molecular consequence: missense variant.
Genome position (GRCh38, 1-based): chr16:1,212,133, G>T. VCF-style: chr16-1212133-G-T. GRCh37 (hg19) VCF-style: chr16-1262133-G-T.
Other names: c.4754G>T, p.Arg1585Leu (NM_001005407.2); short protein forms R1585L.
Identifiers: ClinVar variation 373122 (VCV000373122.9), dbSNP rs774569737, ClinGen allele CA7801517.
Genomic context (GRCh38, chr16:1,212,133, plus strand): 5'-AGGAGGCGGAGGAGGCGCGGCGGCGAGAGGAGAAGCGGCTGCGGCGCCTAGAGAGGAGGC[G>T]CAGGAGTAAGGCGCTCCCGGTGGCGGTGGCGGTGGCGGGTCGGTACCTGTGTGCCCACCG-3'
Protein context (NP_066921.2, residues 1575-1595): EKRLRRLERR[Arg1585Leu]RSTFPSPEAQ